The following is an entry in ClinVar:

NM_001139.3(ALOX12B):c.208_211dup (p.Lys71fs)

Gene: ALOX12B (arachidonate 12-lipoxygenase, 12R type; minus strand). Cytogenetic location: 17p13.1.
Variant type: Microsatellite.
Coding change: c.208_211dup on transcript NM_001139.3 (MANE Select); coding-DNA positions 208 to 211, 4 bases duplicated (CACA; older notation c.208_211dupCACA).
Protein change: p.Lys71fs; shifts the reading frame from lysine 71.
Molecular consequence: frameshift variant.
Genome position (GRCh38, 1-based): chr17:8,086,157-8,086,160, TGTG duplicated on the plus strand (CACA on the coding strand, the reverse complement: ALOX12B is on the minus strand). VCF-style (leftmost placement, unchanged base first): chr17-8086156-T-TTGTG. GRCh37 (hg19) VCF-style: chr17-7989474-T-TTGTG.
Other names: c.208_211dupCACA (NM_001139.3); short protein forms K71fs.
Identifiers: ClinVar variation 995758 (VCV000995758.3), dbSNP rs1978297429, ClinGen allele CA2246104799.
Genomic context (GRCh38, chr17:8,086,156, plus strand): 5'-GCACAGATCTGCACATAGTTGCAGTACCAAGGGTCCTTGGGGAAGAAGGCGTACCGCTCT[T>TTGTG]TGTGCAGGCGGATGATGATGAGCTCACCCAGGTCCTGAGGGCACTGCACGGTGTACTGGC-3'

ClinVar aggregate classification (germline): Pathogenic. Review status: criteria provided, single submitter (1 of 4 stars). 2 submissions from 2 submitters: Pathogenic (1). 1 of the submissions does not count toward it. Last evaluated 2025-04-30.

Conditions:
Autosomal recessive congenital ichthyosis 2 (ARCI2). Identifiers: Orphanet 281122, Orphanet 79394, MedGen C3888093, MONDO:0009439, OMIM 242100.

Submissions (2):

First Genomix Gene Laboratory, Genetic Diagnostics Department
Classification: Pathogenic for Autosomal recessive congenital ichthyosis 2. Last evaluated: 2025-04-30. Review status: criteria provided, single submitter. Criteria: ACMG Guidelines, 2015. Collection method: clinical testing. Allele origin: germline. Inheritance: Autosomal recessive inheritance. Affected: no. Observed: 1 variant allele.

Institute for Human Genetics, University Medical Center Freiburg
Classification: Pathogenic for Autosomal recessive congenital ichthyosis 2. Last evaluated: 2021-01-07. Review status: no assertion criteria provided. Collection method: clinical testing. Allele origin: unknown. Affected: yes. Not counted in ClinVar's aggregate classification.